The following is an entry in ClinVar:

ClinVar aggregate classification (germline): Uncertain significance (1 of 4 stars; one submission).

Conditions:
Immunodeficiency, common variable, 1. Also called: ANTIBODY DEFICIENCY DUE TO ICOS DEFECT. Identifiers: Orphanet 1572, Orphanet 695183, MedGen C3149378, MONDO:0011864, OMIM 607594.

Submission:

Labcorp Genetics (formerly Invitae), Labcorp
Classification: Uncertain significance for Immunodeficiency, common variable, 1. Last evaluated: 2020-07-23. Review status: criteria provided, single submitter. Criteria: Invitae Variant Classification Sherloc (09022015). Collection method: clinical testing. Allele origin: germline.
Comment: This sequence change replaces glycine with arginine at codon 126 of the ICOS protein (p.Gly126Arg). The glycine residue is moderately conserved and there is a moderate physicochemical difference between glycine and arginine. This variant is not present in population databases (ExAC no frequency). This variant has not been reported in the literature in individuals with ICOS-related conditions. Algorithms developed to predict the effect of missense changes on protein structure and function (SIFT, PolyPhen-2, Align-GVGD) all suggest that this variant is likely to be tolerated, but these predictions have not been confirmed by published functional studies and their clinical significance is uncertain. In summary, the available evidence is currently insufficient to determine the role of this variant in disease. Therefore, it has been classified as a Variant of Uncertain Significance.

NM_012092.4(ICOS):c.376G>A (p.Gly126Arg)

Gene: ICOS (inducible T cell costimulator; plus strand). Cytogenetic location: 2q33.2.
Variant type: single nucleotide variant.
Coding change: c.376G>A on transcript NM_012092.4 (MANE Select); coding-DNA position 376, G replaced by A.
Protein change: p.Gly126Arg; replaces glycine 126 with arginine.
Molecular consequence: missense variant.
Genome position (GRCh38, 1-based): chr2:203,955,953, G>A. VCF-style: chr2-203955953-G-A. GRCh37 (hg19) VCF-style: chr2-204820676-G-A.
Other names: short protein forms G126R.
Identifiers: ClinVar variation 1053379 (VCV001053379.9), dbSNP rs2105754334, ClinGen allele CA350140265.